The following is an entry in ClinVar:

ClinVar aggregate classification (germline): Likely benign. Review status: criteria provided, multiple submitters, no conflicts (2 of 4 stars). 2 submissions from 2 submitters: Likely benign (2). Last evaluated 2022-11-01.

Allele frequency attached by ClinVar (database versions not stated): ExAC 0.00003; gnomAD exomes 0.00003; TOPMed 0.00011; gnomAD 0.00012; 1000 Genomes Project 30x 0.00016; 1000 Genomes Project 0.00020.
gnomAD v4.1: 62 of 1,613,862 alleles (0.0038%); highest among the groups gnomAD compares: African/African-American, 0.017%; no homozygotes.

Submissions (2):

CeGaT Center for Human Genetics Tuebingen
Classification: Likely benign. Last evaluated: 2022-11-01. Review status: criteria provided, single submitter. Criteria: CeGaT Center For Human Genetics Tuebingen Variant Classification Criteria Version 2. Collection method: clinical testing. Allele origin: germline. Affected: yes. Observed: 1 variant allele.
Comment: ANK3: BP4, BP7

Labcorp Genetics (formerly Invitae), Labcorp
Classification: Likely benign. Last evaluated: 2022-03-04. Review status: criteria provided, single submitter. Criteria: Invitae Variant Classification Sherloc (09022015). Collection method: clinical testing. Allele origin: germline.

NM_020987.5(ANK3):c.7449G>A (p.Ser2483=)

Gene: ANK3 (ankyrin 3; minus strand). Cytogenetic location: 10q21.2.
Variant type: single nucleotide variant.
Coding change: c.7449G>A on transcript NM_020987.5 (MANE Select); coding-DNA position 7449, G replaced by A.
Protein change: p.Ser2483=; no amino-acid change (serine 2483 retained).
Molecular consequence: synonymous variant. On other transcripts: intron variant (4).
Genome position (GRCh38, 1-based): chr10:60,073,432, C>T on the plus strand (G>A on the coding strand, the complement: ANK3 is on the minus strand). VCF-style: chr10-60073432-C-T. GRCh37 (hg19) VCF-style: chr10-61833190-C-T.
Other names: c.4388-5423G>A (NM_001204403.2); c.4409-5423G>A (NM_001204404.2); c.4406-5423G>A (NM_001320874.2); c.1808-5423G>A (NM_001149.4).
Identifiers: ClinVar variation 2200715 (VCV002200715.28), dbSNP rs202042356, ClinGen allele CA5511708.